The following is an entry in ClinVar:

ClinVar aggregate classification (germline): Uncertain significance. Review status: criteria provided, multiple submitters, no conflicts (2 of 4 stars). 2 submissions from 2 submitters: Uncertain significance (2). Last evaluated 2021-10-08.

Conditions:
Cardiovascular phenotype. Identifiers: MedGen CN230736.
Brugada syndrome. Also called: Sudden unexplained nocturnal death syndrome; Sudden Unexplained Death Syndrome; Sudden Unexplained Nocturnal Death Syndrome (SUNDS); Sudden unexpected nocturnal death syndrome. Identifiers: Orphanet 130, MedGen C1142166, MONDO:0015263.

Submissions (2):

Labcorp Genetics (formerly Invitae), Labcorp
Classification: Uncertain significance for Brugada syndrome. Last evaluated: 2021-10-08. Review status: criteria provided, single submitter. Criteria: Invitae Variant Classification Sherloc (09022015). Collection method: clinical testing. Allele origin: germline.
Comment: In summary, the available evidence is currently insufficient to determine the role of this variant in disease. Therefore, it has been classified as a Variant of Uncertain Significance. Algorithms developed to predict the effect of missense changes on protein structure and function output the following: SIFT: "Deleterious"; PolyPhen-2: "Benign"; Align-GVGD: "Class C15". The cysteine amino acid residue is found in multiple mammalian species, which suggests that this missense change does not adversely affect protein function. ClinVar contains an entry for this variant (Variation ID: 518518). This variant has not been reported in the literature in individuals affected with GPD1L-related conditions. This variant is not present in population databases (ExAC no frequency). This sequence change replaces serine with cysteine at codon 342 of the GPD1L protein (p.Ser342Cys). The serine residue is moderately conserved and there is a moderate physicochemical difference between serine and cysteine.

Ambry Genetics
Classification: Uncertain significance for Cardiovascular phenotype. Last evaluated: 2016-05-20. Review status: criteria provided, single submitter. Criteria: Ambry Variant Classification Scheme 2023. Collection method: clinical testing. Allele origin: germline.
Comment: The p.S342C variant (also known as c.1025C>G), located in coding exon 8 of the GPD1L gene, results from a C to G substitution at nucleotide position 1025. The serine at codon 342 is replaced by cysteine, an amino acid with dissimilar properties. This variant was not reported in population based cohorts in the following databases: Database of Single Nucleotide Polymorphisms (dbSNP), NHLBI Exome Sequencing Project (ESP), and 1000 Genomes Project. In the ESP, this variant was not observed in 6503 samples (13006 alleles) with coverage at this position. This amino acid position is not well conserved in available vertebrate species, and cysteine is the reference amino acid in other vertebrate species. In addition, this alteration is predicted to be tolerated by in silico analysis. Since supporting evidence is limited at this time, the clinical significance of this alteration remains unclear.

NM_015141.4(GPD1L):c.1025C>G (p.Ser342Cys)

Gene: GPD1L (glycerol-3-phosphate dehydrogenase 1 like; plus strand). Cytogenetic location: 3p22.3.
Variant type: single nucleotide variant.
Coding change: c.1025C>G on transcript NM_015141.4 (MANE Select); coding-DNA position 1025, C replaced by G.
Protein change: p.Ser342Cys; replaces serine 342 with cysteine.
Molecular consequence: missense variant.
Genome position (GRCh38, 1-based): chr3:32,165,879, C>G. VCF-style: chr3-32165879-C-G. GRCh37 (hg19) VCF-style: chr3-32207371-C-G.
Other names: short protein forms S342C.
Identifiers: ClinVar variation 518518 (VCV000518518.10), dbSNP rs1553663710, ClinGen allele CA351970630.
Genomic context (GRCh38, chr3:32,165,879, plus strand): 5'-CATTGTTTACTGCAGTGTATCAGATCTGCTACGAAAGCAGACCAGTTCAAGAGATGTTGT[C>G]TTGTCTTCAGAGCCATCCAGAGCATACATAAAGTGAATCATGCAACGTGTTGGGGGAAGT-3'
Protein context (NP_055956.1, residues 332-351): YESRPVQEML[Ser342Cys]CLQSHPEHT